The following is an entry in ClinVar:

NM_004369.4(COL6A3):c.3472G>A (p.Gly1158Ser)

Gene: COL6A3 (collagen type VI alpha 3 chain; minus strand). Cytogenetic location: 2q37.3.
Variant type: single nucleotide variant.
Coding change: c.3472G>A on transcript NM_004369.4 (MANE Select); coding-DNA position 3472, G replaced by A.
Protein change: p.Gly1158Ser; replaces glycine 1158 with serine.
Molecular consequence: missense variant.
Genome position (GRCh38, 1-based): chr2:237,374,619, C>T on the plus strand (G>A on the coding strand, the complement: COL6A3 is on the minus strand). VCF-style: chr2-237374619-C-T. GRCh37 (hg19) VCF-style: chr2-238283262-C-T.
Other names: c.2251G>A, p.Gly751Ser (NM_057164.5); c.2854G>A, p.Gly952Ser (NM_057165.5, NM_057167.4); c.1651G>A, p.Gly551Ser (NM_057166.5); short protein forms G551S, G751S, G952S, G1158S.
Identifiers: ClinVar variation 1471002 (VCV001471002.9), dbSNP rs753056634, ClinGen allele CA2189161.

ClinVar aggregate classification (germline): Uncertain significance. Review status: criteria provided, multiple submitters, no conflicts (2 of 4 stars). 2 submissions from 2 submitters: Uncertain significance (2). Last evaluated 2025-11-11.

Conditions:
Bethlem myopathy 1A. Also called: Bethlem myopathy 1; Bethlem Muscular Dystrophy; MYOPATHY, BENIGN CONGENITAL, WITH CONTRACTURES. Identifiers: Orphanet 610, MedGen CN029274, MONDO:0024530, OMIM 158810.

Allele frequency attached by ClinVar (database versions not stated): ExAC 0.00002; gnomAD 0.00003; gnomAD exomes 0.00003; TOPMed 0.00003.
gnomAD v4.1: 38 of 1,614,062 alleles (0.0024%); highest among the groups gnomAD compares: Admixed American, 0.0067%; no homozygotes.

Submissions (2):

Labcorp Genetics (formerly Invitae), Labcorp
Classification: Uncertain significance for Bethlem myopathy 1A. Last evaluated: 2025-11-11. Review status: criteria provided, single submitter. Criteria: Invitae Variant Classification Sherloc (09022015). Collection method: clinical testing. Allele origin: germline.
Comment: This sequence change replaces glycine, which is neutral and non-polar, with serine, which is neutral and polar, at codon 1158 of the COL6A3 protein (p.Gly1158Ser). This variant is present in population databases (rs753056634, gnomAD 0.01%). This variant has not been reported in the literature in individuals affected with COL6A3-related conditions. ClinVar contains an entry for this variant (Variation ID: 1471002). Invitae Evidence Modeling of protein sequence and biophysical properties (such as structural, functional, and spatial information, amino acid conservation, physicochemical variation, residue mobility, and thermodynamic stability) indicates that this missense variant is not expected to disrupt COL6A3 protein function with a negative predictive value of 80%. In summary, the available evidence is currently insufficient to determine the role of this variant in disease. Therefore, it has been classified as a Variant of Uncertain Significance.

GeneDx
Classification: Uncertain significance. Last evaluated: 2022-04-12. Review status: criteria provided, single submitter. Criteria: GeneDx Variant Classification Process June 2021. Collection method: clinical testing. Allele origin: germline. Affected: yes.
Comment: Has not been previously published as pathogenic or benign to our knowledge; In silico analysis supports that this missense variant does not alter protein structure/function